The following is an entry in ClinVar:

ClinVar aggregate classification (germline): Likely benign (0 of 4 stars; one submission).

Conditions:
FTL-related disorder. Also called: FTL-related condition.

Allele frequency attached by ClinVar (database versions not stated): gnomAD 0.00006; TOPMed 0.00007; ExAC 0.00018; gnomAD exomes 0.00007 and 0.00001; 1000 Genomes Project 0.00020; 1000 Genomes Project 30x 0.00016.
gnomAD v4.1: 25 of 454,242 alleles (0.0055%); highest among the groups gnomAD compares: East Asian, 0.042%; no homozygotes.

Submission:

PreventionGenetics, part of Exact Sciences
Classification: Likely benign for FTL-related condition. Last evaluated: 2022-05-02. Review status: no assertion criteria provided. Collection method: clinical testing. Allele origin: germline.
Comment: This variant is classified as likely benign based on ACMG/AMP sequence variant interpretation guidelines (Richards et al. 2015 PMID: 25741868, with internal and published modifications).

NC_000019.10:g.48968629G>A

Genes: FTL (ferritin light chain; plus strand), GYS1 (glycogen synthase 1; minus strand). Cytogenetic location: 19q13.33.
Variant type: single nucleotide variant.
Molecular consequence: 3 prime UTR variant (on NM_002103.5). On other transcripts: non-coding transcript variant (1).
Genome position: GRCh38 VCF-style: chr19-48968629-G-A. GRCh37 (hg19) VCF-style: chr19-49471886-G-A.
Other names: c.*659C>T (NM_001161587.2, NM_002103.5).
Identifiers: ClinVar variation 329797 (VCV000329797.7), dbSNP rs367578611, ClinGen allele CA9562636.
Genomic context (GRCh38, chr19:48,968,629, plus strand): 5'-AAGACAGGAAGGCATCTGGACTGAGACTGTGTGTCCTCCAGAAGGAATGAGCAGCCAAGT[G>A]GTTCTACCACCTCTTGCTTGGCCAAAGTGTAGGGGATGACAGGAGCCGGATGGAGGGATC-3'